The following is an entry in ClinVar:

NM_001253852.3(AP4B1):c.299T>C (p.Met100Thr)

Gene: AP4B1 (adaptor related protein complex 4 subunit beta 1; minus strand). Cytogenetic location: 1p13.2.
Variant type: single nucleotide variant.
Coding change: c.299T>C on transcript NM_001253852.3 (MANE Select); coding-DNA position 299, T replaced by C.
Protein change: p.Met100Thr; replaces methionine 100 with threonine.
Molecular consequence: missense variant. On other transcripts: initiator codon variant (1), intron variant (1).
Genome position (GRCh38, 1-based): chr1:113,902,677, A>G on the plus strand (T>C on the coding strand, the complement: AP4B1 is on the minus strand). VCF-style: chr1-113902677-A-G. GRCh37 (hg19) VCF-style: chr1-114445299-A-G.
Other names: c.2T>C, p.Met1Thr (NM_001253853.3); c.299T>C, p.Met100Thr (NM_006594.5); c.113+1928T>C (NM_001308312.2); short protein forms M1T, M100T.
Identifiers: ClinVar variation 1798622 (VCV001798622.3), dbSNP rs2526652439, ClinGen allele CA341689649.

ClinVar aggregate classification (germline): Uncertain significance (1 of 4 stars; one submission).

Conditions:
Inborn genetic diseases. Identifiers: MedGen C0950123, MeSH D030342.

Submission:

Ambry Genetics
Classification: Uncertain significance for Inborn genetic diseases. Last evaluated: 2018-07-27. Review status: criteria provided, single submitter. Criteria: Ambry Variant Classification Scheme 2023. Collection method: clinical testing. Allele origin: germline.
Comment: The p.M100T variant (also known as c.299T>C), located in coding exon 2 of the AP4B1 gene, results from a T to C substitution at nucleotide position 299. The methionine at codon 100 is replaced by threonine, an amino acid with similar properties. This amino acid position is well conserved in available vertebrate species. In addition, the in silico prediction for this alteration is inconclusive. Since supporting evidence is limited at this time, the clinical significance of this alteration remains unclear.